The following is an entry in ClinVar:

NM_015662.3(IFT172):c.3859G>A (p.Glu1287Lys)

Genes: IFT172 (intraflagellar transport 172; minus strand), LOC126806173 (BRD4-independent group 4 enhancer GRCh37_chr2:27676057-27677256; plus strand). Cytogenetic location: 2p23.3.
Variant type: single nucleotide variant.
Coding change: c.3859G>A on transcript NM_015662.3 (MANE Select); coding-DNA position 3859, G replaced by A.
Protein change: p.Glu1287Lys; replaces glutamic acid 1287 with lysine.
Molecular consequence: missense variant.
Genome position (GRCh38, 1-based): chr2:27,453,476, C>T on the plus strand (G>A on the coding strand, the complement: IFT172 is on the minus strand). VCF-style: chr2-27453476-C-T. GRCh37 (hg19) VCF-style: chr2-27676343-C-T.
Other names: short protein forms E1287K.
Identifiers: ClinVar variation 1471780 (VCV001471780.6), dbSNP rs1336146422, ClinGen allele CA346377773.

ClinVar aggregate classification (germline): Uncertain significance (1 of 4 stars; one submission).

Conditions:
Retinitis pigmentosa 71 (RP71). Identifiers: Orphanet 791, MedGen C4225342, MONDO:0014618, OMIM 616394.
Short-rib thoracic dysplasia 10 with or without polydactyly (SRTD10). Identifiers: Orphanet 474, MedGen C3810175, MONDO:0014284, OMIM 615630.

Allele frequency attached by ClinVar (database versions not stated): gnomAD exomes below 0.00001; gnomAD 0.00001.
gnomAD v4.1: 2 of 1,614,074 alleles (0.00012%); highest among the groups gnomAD compares: Admixed American, 0.0017%; no homozygotes.

Submission:

Labcorp Genetics (formerly Invitae), Labcorp
Classification: Uncertain significance for Retinitis pigmentosa 71; Short-rib thoracic dysplasia 10 with or without polydactyly. Last evaluated: 2025-04-07. Review status: criteria provided, single submitter. Criteria: Invitae Variant Classification Sherloc (09022015). Collection method: clinical testing. Allele origin: germline.
Comment: This sequence change replaces glutamic acid, which is acidic and polar, with lysine, which is basic and polar, at codon 1287 of the IFT172 protein (p.Glu1287Lys). This variant is present in population databases (no rsID available, gnomAD 0.003%). This variant has not been reported in the literature in individuals affected with IFT172-related conditions. ClinVar contains an entry for this variant (Variation ID: 1471780). Invitae Evidence Modeling of protein sequence and biophysical properties (such as structural, functional, and spatial information, amino acid conservation, physicochemical variation, residue mobility, and thermodynamic stability) has been performed for this missense variant. However, the output from this modeling did not meet the statistical confidence thresholds required to predict the impact of this variant on IFT172 protein function. In summary, the available evidence is currently insufficient to determine the role of this variant in disease. Therefore, it has been classified as a Variant of Uncertain Significance.